The following is an entry in ClinVar:

ClinVar aggregate classification (germline): Uncertain significance. Review status: criteria provided, multiple submitters, no conflicts (2 of 4 stars). 4 submissions from 4 submitters: Uncertain significance (3). 1 of the submissions does not count toward it. Last evaluated 2024-01-31.

Conditions:
Alstrom syndrome (ALMS). Identifiers: Orphanet 64, MedGen C0268425, MONDO:0008763, OMIM 203800.
Cardiovascular phenotype. Identifiers: MedGen CN230736.

Allele frequency attached by ClinVar (database versions not stated): gnomAD exomes below 0.00001 and 0.00002; ExAC 0.00002; gnomAD 0.00002 and 0.00003; TOPMed 0.00002; ESP Exome Variant Server 0.00008.
gnomAD v4.1: 6 of 1,614,122 alleles (0.00037%); highest among the groups gnomAD compares: African/African-American, 0.0067%; no homozygotes.

Submissions (4):

Ambry Genetics
Classification: Uncertain significance for Cardiovascular phenotype. Last evaluated: 2024-01-31. Review status: criteria provided, single submitter. Criteria: Ambry Variant Classification Scheme 2023. Collection method: clinical testing. Allele origin: germline.
Comment: The p.W3988R variant (also known as c.11962T>C), located in coding exon 19 of the ALMS1 gene, results from a T to C substitution at nucleotide position 11962. The tryptophan at codon 3988 is replaced by arginine, an amino acid with dissimilar properties. This amino acid position is highly conserved in available vertebrate species. In addition, the in silico prediction for this alteration is inconclusive. Based on the available evidence, the clinical significance of this alteration remains unclear.

Fulgent Genetics
Classification: Uncertain significance for Alstrom syndrome. Last evaluated: 2022-01-09. Review status: criteria provided, single submitter. Criteria: ACMG Guidelines, 2015. Collection method: clinical testing. Allele origin: unknown.

Labcorp Genetics (formerly Invitae), Labcorp
Classification: Uncertain significance for Alstrom syndrome. Last evaluated: 2021-07-31. Review status: criteria provided, single submitter. Criteria: Invitae Variant Classification Sherloc (09022015). Collection method: clinical testing. Allele origin: germline.
Comment: This sequence change replaces tryptophan with arginine at codon 3988 of the ALMS1 protein (p.Trp3988Arg). The tryptophan residue is highly conserved and there is a moderate physicochemical difference between tryptophan and arginine. This variant is present in population databases (rs375540445, ExAC 0.02%). This variant has not been reported in the literature in individuals affected with ALMS1-related conditions. ClinVar contains an entry for this variant (Variation ID: 991354). Experimental studies and prediction algorithms are not available or were not evaluated, and the functional significance of this variant is currently unknown. In summary, the available evidence is currently insufficient to determine the role of this variant in disease. Therefore, it has been classified as a Variant of Uncertain Significance.

Natera, Inc.
Classification: Uncertain significance for Alstrom syndrome. Last evaluated: 2020-09-04. Review status: no assertion criteria provided. Collection method: clinical testing. Allele origin: germline. Not counted in ClinVar's aggregate classification.

NM_001378454.1(ALMS1):c.11959T>C (p.Trp3987Arg)

Genes: ALMS1 (ALMS1 centrosome and basal body associated protein; plus strand), LOC126806252 (BRD4-independent group 4 enhancer GRCh37_chr2:73828496-73829695; plus strand). Cytogenetic location: 2p13.1.
Variant type: single nucleotide variant.
Coding change: c.11959T>C on transcript NM_001378454.1 (MANE Select); coding-DNA position 11959, T replaced by C.
Protein change: p.Trp3987Arg; replaces tryptophan 3987 with arginine.
Molecular consequence: missense variant.
Genome position (GRCh38, 1-based): chr2:73,601,281, T>C. VCF-style: chr2-73601281-T-C. GRCh37 (hg19) VCF-style: chr2-73828408-T-C.
Other names: c.11962T>C, p.Trp3988Arg (NM_015120.4); short protein forms W3987R, W3988R.
Identifiers: ClinVar variation 991354 (VCV000991354.8), dbSNP rs375540445, ClinGen allele CA1715392.